The following is an entry in ClinVar:

NM_004006.3(DMD):c.10159G>T (p.Ala3387Ser)

Gene: DMD (dystrophin; minus strand). Cytogenetic location: Xp21.2.
Variant type: single nucleotide variant.
Coding change: c.10159G>T on transcript NM_004006.3 (MANE Select); coding-DNA position 10159, G replaced by T.
Protein change: p.Ala3387Ser; replaces alanine 3387 with serine.
Molecular consequence: missense variant.
Genome position (GRCh38, 1-based): chrX:31,178,733, C>A on the plus strand (G>T on the coding strand, the complement: DMD is on the minus strand). VCF-style: chrX-31178733-C-A. GRCh37 (hg19) VCF-style: chrX-31196850-C-A.
Other names: c.10159G>T (NM_004006.2); c.10135G>T, p.Ala3379Ser (NM_000109.4); c.10147G>T, p.Ala3383Ser (NM_004009.3); c.9790G>T, p.Ala3264Ser (NM_004010.3); c.6136G>T, p.Ala2046Ser (NM_004011.4); c.6127G>T, p.Ala2043Ser (NM_004012.4); c.2779G>T, p.Ala927Ser (NM_004013.3, NM_004020.4, NM_004021.3 and 2 more transcripts); c.1972G>T, p.Ala658Ser (NM_004014.3); and 1 more; short protein forms A2043S, A319S, A3379S, A3383S, A658S, A927S, A3264S, A2046S.
Identifiers: ClinVar variation 1480753 (VCV001480753.4), dbSNP rs978406887, ClinGen allele CA412652808.

ClinVar aggregate classification (germline): Uncertain significance. Review status: criteria provided, multiple submitters, no conflicts (2 of 4 stars). 2 submissions from 2 submitters: Uncertain significance (2). Last evaluated 2025-10-08.

Conditions:
Cardiovascular phenotype. Identifiers: MedGen CN230736.
Duchenne muscular dystrophy (DMD). Also called: Duchenne Muscular Dystrophy (DMD); MUSCULAR DYSTROPHY, PSEUDOHYPERTROPHIC PROGRESSIVE, DUCHENNE TYPE. Identifiers: Orphanet 98896, MedGen C0013264, MONDO:0010679, OMIM 310200.

Allele frequency attached by ClinVar (database versions not stated): gnomAD 0.00001; TOPMed 0.00002.
gnomAD v4.1: 2 of 1,209,683 alleles (0.00017%); highest among the groups gnomAD compares: Admixed American, 0.0022%; no homozygotes.

Submissions (2):

Ambry Genetics
Classification: Uncertain significance for Cardiovascular phenotype. Last evaluated: 2025-10-08. Review status: criteria provided, single submitter. Criteria: Ambry Variant Classification Scheme 2023. Collection method: clinical testing. Allele origin: germline.
Comment: The p.A3387S variant (also known as c.10159G>T), located in coding exon 70 of the DMD gene, results from a G to T substitution at nucleotide position 10159. The alanine at codon 3387 is replaced by serine, an amino acid with similar properties. This variant was reported in individual(s) with features consistent with dilated cardiomyopathy (Ambry internal data). This amino acid position is highly conserved in available vertebrate species. In addition, this alteration is predicted to be tolerated by in silico analysis. Based on the available evidence, the clinical significance of this variant remains unclear.

Labcorp Genetics (formerly Invitae), Labcorp
Classification: Uncertain significance for Duchenne muscular dystrophy. Last evaluated: 2021-10-07. Review status: criteria provided, single submitter. Criteria: Invitae Variant Classification Sherloc (09022015). Collection method: clinical testing. Allele origin: germline.
Comment: This sequence change replaces alanine with serine at codon 3387 of the DMD protein (p.Ala3387Ser). The alanine residue is highly conserved and there is a moderate physicochemical difference between alanine and serine. This variant is not present in population databases (ExAC no frequency). This variant has not been reported in the literature in individuals affected with DMD-related conditions. Algorithms developed to predict the effect of missense changes on protein structure and function are either unavailable or do not agree on the potential impact of this missense change (SIFT: "Tolerated"; PolyPhen-2: "Possibly Damaging"; Align-GVGD: "Class C0"). In summary, the available evidence is currently insufficient to determine the role of this variant in disease. Therefore, it has been classified as a Variant of Uncertain Significance.